The following is an entry in ClinVar:

NM_015991.4(C1QA):c.264C>T (p.Ser88=)

Gene: C1QA (complement C1q A chain; plus strand). Cytogenetic location: 1p36.12.
Variant type: single nucleotide variant.
Coding change: c.264C>T on transcript NM_015991.4 (MANE Select); coding-DNA position 264, C replaced by T.
Protein change: p.Ser88=; no amino-acid change (serine 88 retained).
Molecular consequence: synonymous variant.
Genome position (GRCh38, 1-based): chr1:22,638,933, C>T. VCF-style: chr1-22638933-C-T. GRCh37 (hg19) VCF-style: chr1-22965426-C-T.
Other names: c.264C>T, p.Ser88= (NM_001347465.2, NM_001347466.2).
Identifiers: ClinVar variation 2188158 (VCV002188158.5), dbSNP rs372914310, ClinGen allele CA677749.

ClinVar aggregate classification (germline): Likely benign. Review status: criteria provided, multiple submitters, no conflicts (2 of 4 stars). 2 submissions from 2 submitters: Likely benign (2). Last evaluated 2026-09-01.

Allele frequency attached by ClinVar (database versions not stated): ESP Exome Variant Server 0.00008.

Submissions (2):

CeGaT Center for Human Genetics Tuebingen
Classification: Likely benign. Last evaluated: 2026-09-01. Review status: criteria provided, single submitter. Criteria: CeGaT Center For Human Genetics Tuebingen Variant Classification Criteria Version 2. Collection method: clinical testing. Allele origin: germline. Affected: yes. Observed: 2 variant alleles.
Comment: C1QA: BP4, BP7

Labcorp Genetics (formerly Invitae), Labcorp
Classification: Likely benign. Last evaluated: 2025-11-03. Review status: criteria provided, single submitter. Criteria: Invitae Variant Classification Sherloc (09022015). Collection method: clinical testing. Allele origin: germline.